The following is an entry in ClinVar:

ClinVar aggregate classification (germline): Uncertain significance (1 of 4 stars; one submission).

Conditions:
Hereditary cancer-predisposing syndrome. Also called: Tumor predisposition; Neoplastic Syndromes, Hereditary; Hereditary neoplastic syndrome; Hereditary Cancer Syndrome. Identifiers: Orphanet 140162, MedGen C0027672, MeSH D009386, MONDO:0015356.

Submission:

Ambry Genetics
Classification: Uncertain significance for Hereditary cancer-predisposing syndrome. Last evaluated: 2025-08-27. Review status: criteria provided, single submitter. Criteria: Ambry Variant Classification Scheme 2023. Collection method: clinical testing. Allele origin: germline.
Comment: The p.C51S variant (also known as c.151T>A), located in coding exon 2 of the MUTYH gene, results from a T to A substitution at nucleotide position 151. The cysteine at codon 51 is replaced by serine, an amino acid with dissimilar properties. This amino acid position is conserved. In addition, this alteration is predicted to be tolerated by in silico analysis. Based on the available evidence, the clinical significance of this variant remains unclear.

NM_001048174.2(MUTYH):c.109T>A (p.Cys37Ser)

Gene: MUTYH (mutY DNA glycosylase; minus strand). Cytogenetic location: 1p34.1.
Variant type: single nucleotide variant.
Coding change: c.109T>A on transcript NM_001048174.2 (MANE Select); coding-DNA position 109, T replaced by A.
Protein change: p.Cys37Ser; replaces cysteine 37 with serine.
Molecular consequence: missense variant. On other transcripts: 5 prime UTR variant (7), non-coding transcript variant (7).
Genome position (GRCh38, 1-based): chr1:45,334,397, A>T on the plus strand (T>A on the coding strand, the complement: MUTYH is on the minus strand). VCF-style: chr1-45334397-A-T. GRCh37 (hg19) VCF-style: chr1-45800069-A-T.
Other names: c.109T>A, p.Cys37Ser (NM_001048171.2, NM_001048172.2, NM_001048173.2 and 15 more transcripts); c.151T>A, p.Cys51Ser (NM_001128425.2, NM_001293190.2, NM_012222.3 and 2 more transcripts); c.-99T>A (NM_001407082.1, NM_001350651.2); c.127T>A, p.Cys43Ser (NM_001407087.1); c.-104T>A (NM_001407091.1, NM_001293192.2, NM_001293196.2); c.-163T>A (NM_001350650.2); c.-48T>A (NM_001407075.1); short protein forms C37S, C43S, C51S.
Identifiers: ClinVar variation 4113316 (VCV004113316.1).